The following is an entry in ClinVar:

ClinVar aggregate classification (germline): Pathogenic (1 of 4 stars; one submission).

Submission:

Labcorp Genetics (formerly Invitae), Labcorp
Classification: Pathogenic. Last evaluated: 2024-02-13. Review status: criteria provided, single submitter. Criteria: Invitae Variant Classification Sherloc (09022015). Collection method: clinical testing. Allele origin: germline.
Comment: This sequence change creates a premature translational stop signal (p.Gly991Profs*14) in the COL11A2 gene. It is expected to result in an absent or disrupted protein product. Loss-of-function variants in COL11A2 are known to be pathogenic (PMID: 10677296, 21204229). The frequency data for this variant in the population databases is considered unreliable, as metrics indicate poor data quality at this position in the gnomAD database. This variant has not been reported in the literature in individuals affected with COL11A2-related conditions. For these reasons, this variant has been classified as Pathogenic.

Literature cited by the submitters: PubMed 10677296; PubMed 21204229.

NM_080680.3(COL11A2):c.2970_2971del (p.Gly991fs)

Gene: COL11A2 (collagen type XI alpha 2 chain; minus strand). Cytogenetic location: 6p21.32.
Variant type: Microsatellite.
Coding change: c.2970_2971del on transcript NM_080680.3 (MANE Select); coding-DNA positions 2970 to 2971, 2 bases deleted (AG; older notation c.2970_2971delAG).
Protein change: p.Gly991fs; shifts the reading frame from glycine 991.
Molecular consequence: frameshift variant.
Genome position (GRCh38, 1-based): chr6:33,172,306-33,172,307, CT deleted on the plus strand (AG on the coding strand, the reverse complement: COL11A2 is on the minus strand); deleting any 2 consecutive bases within chr6:33,172,306-33,172,314 gives the same sequence; the c. name uses the placement nearest the transcript's 3' end. VCF-style (leftmost placement, unchanged base first): chr6-33172305-CCT-C. GRCh37 (hg19) VCF-style: chr6-33140082-CCT-C.
Other names: c.2790_2791del, p.Gly931fs (NM_001424108.1); c.2124_2125del, p.Gly709fs (NM_001424109.1); c.1944_1945del, p.Gly649fs (NM_001424110.1, NM_001424111.1); c.924_925del, p.Gly309fs (NM_001424112.1); c.2649_2650del, p.Gly884fs (NM_080679.3); c.2712_2713del, p.Gly905fs (NM_080681.3); short protein forms G309fs, G649fs, G884fs, G905fs, G931fs, G709fs, G991fs.
Identifiers: ClinVar variation 2802140 (VCV002802140.3), dbSNP rs1184006015, ClinGen allele CA566428436.